The following is an entry in ClinVar:

NM_000454.5(SOD1):c.346C>G (p.Arg116Gly)

Gene: SOD1 (superoxide dismutase 1; plus strand). Cytogenetic location: 21q22.11.
Variant type: single nucleotide variant.
Coding change: c.346C>G on transcript NM_000454.5 (MANE Select); coding-DNA position 346, C replaced by G.
Protein change: p.Arg116Gly; replaces arginine 116 with glycine.
Molecular consequence: missense variant.
Genome position (GRCh38, 1-based): chr21:31,667,364, C>G. VCF-style: chr21-31667364-C-G. GRCh37 (hg19) VCF-style: chr21-33039677-C-G.
Other names: short protein forms R116G.
Identifiers: ClinVar variation 805495 (VCV000805495.47), dbSNP rs1301635320, ClinGen allele CA410037589.

ClinVar aggregate classification (germline): Pathogenic/Likely pathogenic. Review status: criteria provided, multiple submitters, no conflicts (2 of 4 stars). 4 submissions from 4 submitters: Pathogenic (3); Likely pathogenic (1). Last evaluated 2026-01-01.

Conditions:
Amyotrophic lateral sclerosis type 1 (ALS1). Also called: AMYOTROPHIC LATERAL SCLEROSIS 1, FAMILIAL. Identifiers: Orphanet 803, MedGen C1862939, MONDO:0007103, OMIM 105400.

Submissions (4):

CeGaT Center for Human Genetics Tuebingen
Classification: Pathogenic. Last evaluated: 2026-01-01. Review status: criteria provided, single submitter. Criteria: CeGaT Center For Human Genetics Tuebingen Variant Classification Criteria Version 2. Collection method: clinical testing. Allele origin: germline. Affected: yes. Observed: 2 variant alleles.
Comment: SOD1: PP1:Strong, PS4, PM2, PM5, PS3:Supporting

Labcorp Genetics (formerly Invitae), Labcorp
Classification: Pathogenic for Amyotrophic lateral sclerosis type 1. Last evaluated: 2022-10-27. Review status: criteria provided, single submitter. Criteria: Invitae Variant Classification Sherloc (09022015). Collection method: clinical testing. Allele origin: germline.
Comment: For these reasons, this variant has been classified as Pathogenic. Experimental studies have shown that this missense change affects SOD1 function (PMID: 23280792). Advanced modeling of protein sequence and biophysical properties (such as structural, functional, and spatial information, amino acid conservation, physicochemical variation, residue mobility, and thermodynamic stability) performed at Invitae indicates that this missense variant is expected to disrupt SOD1 protein function. ClinVar contains an entry for this variant (Variation ID: 805495). This variant is also known as Arg115Gly. This missense change has been observed in individuals with amyotrophic lateral sclerosis (PMID: 7881433, 15258228). This variant is present in population databases (no rsID available, gnomAD 0.002%). This sequence change replaces arginine, which is basic and polar, with glycine, which is neutral and non-polar, at codon 116 of the SOD1 protein (p.Arg116Gly).

MGZ Medical Genetics Center
Classification: Likely pathogenic for Amyotrophic lateral sclerosis type 1. Last evaluated: 2022-07-12. Review status: criteria provided, single submitter. Criteria: ACMG Guidelines, 2015. Collection method: clinical testing. Allele origin: germline. Affected: yes. Observed: 1 variant allele.
Comment: ACMG criteria applied: PS4_MOD, PM5, PS3_SUP, PM2_SUP, PP1, PP3

Athena Diagnostics
Classification: Pathogenic. Last evaluated: 2018-08-28. Review status: criteria provided, single submitter. Criteria: Athena Diagnostics Criteria. Collection method: clinical testing. Allele origin: germline.
Comment: This variant is published to be a common German founder variant and has been published in over 23 ALS families. The best available variant frequency is above the disease allele frequency but data include fewer than 10 observations. Statistically enriched in patients compared to ethnically matched controls. Found in at least one symptomatic patient. Predicted to have a damaging effect on the protein.

Literature cited by the submitters: PubMed 23280792 (cited by Labcorp Genetics (formerly Invitae), Labcorp); PubMed 7881433 (cited by Labcorp Genetics (formerly Invitae), Labcorp and Athena Diagnostics); PubMed 15258228 (cited by Labcorp Genetics (formerly Invitae), Labcorp and Athena Diagnostics); PubMed 29650794 (cited by Athena Diagnostics); PubMed 14506936 (cited by Athena Diagnostics); PubMed 16291929 (cited by Athena Diagnostics); PubMed 17513298 (cited by Athena Diagnostics); PubMed 19063897 (cited by Athena Diagnostics); PubMed 20309572 (cited by Athena Diagnostics); PubMed 25572957 (cited by Athena Diagnostics); PubMed 14623191 (cited by Athena Diagnostics).